The following is an entry in ClinVar:

NM_032737.4(LMNB2):c.1822G>A (p.Gly608Arg)

Gene: LMNB2 (lamin B2; minus strand). Cytogenetic location: 19p13.3.
Variant type: single nucleotide variant.
Coding change: c.1822G>A on transcript NM_032737.4 (MANE Select); coding-DNA position 1822, G replaced by A.
Protein change: p.Gly608Arg; replaces glycine 608 with arginine.
Molecular consequence: missense variant.
Genome position (GRCh38, 1-based): chr19:2,430,952, C>T on the plus strand (G>A on the coding strand, the complement: LMNB2 is on the minus strand). VCF-style: chr19-2430952-C-T. GRCh37 (hg19) VCF-style: chr19-2430950-C-T.
Other names: short protein forms G608R.
Identifiers: ClinVar variation 1392330 (VCV001392330.8), dbSNP rs1971731802, ClinGen allele CA403248821.

ClinVar aggregate classification (germline): Uncertain significance (1 of 4 stars; one submission).

Conditions:
Lipodystrophy, partial, acquired, susceptibility to (APLD). Also called: APLD, SUSCEPTIBILITY TO. Identifiers: MedGen C3887501, MONDO:0100476, OMIM 608709.
Progressive myoclonic epilepsy type 9. Identifiers: Orphanet 457265, MedGen C4225289, MONDO:0014685, OMIM 616540.

Allele frequency attached by ClinVar (database versions not stated): TOPMed 0.00001.

Submission:

Labcorp Genetics (formerly Invitae), Labcorp
Classification: Uncertain significance for Progressive myoclonic epilepsy type 9; Lipodystrophy, partial, acquired, susceptibility to. Last evaluated: 2021-05-01. Review status: criteria provided, single submitter. Criteria: Invitae Variant Classification Sherloc (09022015). Collection method: clinical testing. Allele origin: germline.
Comment: In summary, the available evidence is currently insufficient to determine the role of this variant in disease. Therefore, it has been classified as a Variant of Uncertain Significance. Algorithms developed to predict the effect of missense changes on protein structure and function are either unavailable or do not agree on the potential impact of this missense change (SIFT: "Deleterious"; PolyPhen-2: "Probably Damaging"; Align-GVGD: "Class C15"). This variant has not been reported in the literature in individuals with LMNB2-related conditions. This variant is not present in population databases (ExAC no frequency). This sequence change replaces glycine with arginine at codon 608 of the LMNB2 protein (p.Gly608Arg). The glycine residue is highly conserved and there is a moderate physicochemical difference between glycine and arginine.